The following is an entry in ClinVar:

NM_002863.5(PYGL):c.808C>T (p.Arg270Ter)

Gene: PYGL (glycogen phosphorylase L; minus strand). Cytogenetic location: 14q22.1.
Variant type: single nucleotide variant.
Coding change: c.808C>T on transcript NM_002863.5 (MANE Select); coding-DNA position 808, C replaced by T.
Protein change: p.Arg270Ter; replaces arginine 270 with a stop codon.
Molecular consequence: nonsense.
Genome position (GRCh38, 1-based): chr14:50,920,588, G>A on the plus strand (C>T on the coding strand, the complement: PYGL is on the minus strand). VCF-style: chr14-50920588-G-A. GRCh37 (hg19) VCF-style: chr14-51387306-G-A.
Other names: c.706C>T, p.Arg236Ter (NM_001163940.2); short protein forms R236*, R270*.
Identifiers: ClinVar variation 3720984 (VCV003720984.2).
Genomic context (GRCh38, chr14:50,920,588, plus strand): 5'-CTTGATCACTCACATTGTCATTGGGATAGAGGACCCGGGAGATGTTCTCGGCCAGGTTTC[G>A]GTCCAGCACAGCCTGAATGTAGTCTCCAACATTAACTAGGGGAAAGTTAGAGAAACAATA-3'

ClinVar aggregate classification (germline): Pathogenic (1 of 4 stars; one submission).

Conditions:
Glycogen storage disease, type VI (GSD6). Also called: Glycogen storage disease type 6; Hepatic glycogen phosphorylase deficiency; HERS DISEASE; Glycogen storage disease type 6, due to phosphorylation; GSD VI; PHOSPHORYLASE DEFICIENCY GLYCOGEN-STORAGE DISEASE OF LIVER. Identifiers: Orphanet 369, MedGen C0017925, MONDO:0009294, OMIM 232700.

gnomAD v4.1: 14 of 1,612,990 alleles (0.00087%); highest among the groups gnomAD compares: African/African-American, 0.0013%; no homozygotes.

Submission:

Labcorp Genetics (formerly Invitae), Labcorp
Classification: Pathogenic for Glycogen storage disease, type VI. Last evaluated: 2024-12-03. Review status: criteria provided, single submitter. Criteria: Invitae Variant Classification Sherloc (09022015). Collection method: clinical testing. Allele origin: germline.
Comment: This sequence change creates a premature translational stop signal (p.Arg270*) in the PYGL gene. It is expected to result in an absent or disrupted protein product. Loss-of-function variants in PYGL are known to be pathogenic (PMID: 9536091, 21646031). This variant is present in population databases (rs781472201, gnomAD 0.004%). This variant has not been reported in the literature in individuals affected with PYGL-related conditions. For these reasons, this variant has been classified as Pathogenic.

Literature cited by the submitters: PubMed 9536091; PubMed 21646031.